The following is an entry in ClinVar:

ClinVar aggregate classification (germline): Pathogenic (1 of 4 stars; one submission).

Conditions:
Pigmentary pallidal degeneration (NBIA1). Also called: HARP SYNDROME; PKAN NEUROAXONAL DYSTROPHY, JUVENILE-ONSET; Neurodegeneration with brain iron accumulation 1; Pantothenate Kinase-Associated Neurodegeneration; Neuroaxonal dystrophy, late infantile; Hallervorden-Spatz disease. Identifiers: Orphanet 157850, MedGen C0018523, MONDO:0009319, OMIM 234200.

Submission:

Labcorp Genetics (formerly Invitae), Labcorp
Classification: Pathogenic for Pigmentary pallidal degeneration. Last evaluated: 2023-04-08. Review status: criteria provided, single submitter. Criteria: Invitae Variant Classification Sherloc (09022015). Collection method: clinical testing. Allele origin: unknown.
Comment: For these reasons, this variant has been classified as Pathogenic. This variant has not been reported in the literature in individuals affected with PANK2-related conditions. This variant is a gross deletion of the genomic region encompassing exon(s) 1-2 of the PANK2 gene, which includes the initiator codon. This deletion extends beyond the assayed region for this gene and therefore may encompass additional genes. It is expected to result in an absent or disrupted protein product. Loss-of-function variants in PANK2 are known to be pathogenic (PMID: 11479594, 12510040).

Literature cited by the submitters: PubMed 11479594; PubMed 12510040.

NC_000020.10:g.(?_3869748)_(3888945_?)del

Gene: PANK2 (pantothenate kinase 2; plus strand). Cytogenetic location: 20p13.
Variant type: Deletion.
Identifiers: ClinVar variation 3248222 (VCV003248222.1).